The following is an entry in ClinVar:

ClinVar aggregate classification (germline): Likely pathogenic (1 of 4 stars; one submission).

Conditions:
X-linked Alport syndrome (ATS1). Also called: NEPHROPATHY AND DEAFNESS, X-LINKED; COL4A5-Related Nephropathy. Identifiers: Orphanet 63, Orphanet 88917, MedGen C4746986, MONDO:0010520, OMIM 301050.

Submission:

Myriad Genetics, Inc.
Classification: Likely pathogenic for X-linked Alport syndrome. Last evaluated: 2019-02-16. Review status: criteria provided, single submitter. Criteria: Myriad Women's Health Autosomal Recessive and X-Linked Classification Criteria (2019). Collection method: clinical testing. Allele origin: unknown.
Comment: NM_000495.4(COL4A5):c.3535G>T(G1179*) is expected to be pathogenic in the context of X-linked Alport syndrome. This variant is predicted to lead to an abnormal or absent protein product due to the creation of a premature termination codon in COL4A5, a gene where loss-of-function variants are known to be pathogenic. Please note: this variant was assessed in the context of healthy population screening.

NM_033380.3(COL4A5):c.3535G>T (p.Gly1179Ter)

Gene: COL4A5 (collagen type IV alpha 5 chain; plus strand). Cytogenetic location: Xq22.3.
Variant type: single nucleotide variant.
Coding change: c.3535G>T on transcript NM_033380.3 (MANE Select); coding-DNA position 3535, G replaced by T.
Protein change: p.Gly1179Ter; replaces glycine 1179 with a stop codon.
Molecular consequence: nonsense.
Genome position (GRCh38, 1-based): chrX:108,666,576, G>T. VCF-style: chrX-108666576-G-T. GRCh37 (hg19) VCF-style: chrX-107909806-G-T.
Other names: c.3535G>T, p.Gly1179Ter (NM_000495.5); short protein forms G1179*.
Identifiers: ClinVar variation 984063 (VCV000984063.3), dbSNP rs104886240, ClinGen allele CA413847854.